The following is an entry in ClinVar:

ClinVar aggregate classification (germline): Likely benign (0 of 4 stars; one submission).

Conditions:
MAP4-related disorder. Also called: MAP4-related condition.

Allele frequency attached by ClinVar (database versions not stated): ESP Exome Variant Server 0.00015; ExAC 0.00005; gnomAD 0.00006.
gnomAD v4.1: 248 of 1,613,854 alleles (0.015%); highest among the groups gnomAD compares: Non-Finnish European, 0.02%; no homozygotes.

Submission:

PreventionGenetics, part of Exact Sciences
Classification: Likely benign for MAP4-related condition. Last evaluated: 2019-09-10. Review status: no assertion criteria provided. Collection method: clinical testing. Allele origin: germline.
Comment: This variant is classified as likely benign based on ACMG/AMP sequence variant interpretation guidelines (Richards et al. 2015 PMID: 25741868, with internal and published modifications).

NM_001385682.1(MAP4):c.1884C>G (p.Val628=)

Gene: MAP4 (microtubule associated protein 4; minus strand). Cytogenetic location: 3p21.31.
Variant type: single nucleotide variant.
Coding change: c.1884C>G on transcript NM_001385682.1 (MANE Select); coding-DNA position 1884, C replaced by G.
Protein change: p.Val628=; no amino-acid change (valine 628 retained).
Molecular consequence: synonymous variant. On other transcripts: intron variant (8).
Genome position (GRCh38, 1-based): chr3:47,914,932, G>C on the plus strand (C>G on the coding strand, the complement: MAP4 is on the minus strand). VCF-style: chr3-47914932-G-C. GRCh37 (hg19) VCF-style: chr3-47956422-G-C.
Other names: c.1884C>G, p.Val628= (NM_001384734.1, NM_001384735.1, NM_001384737.1 and 40 more transcripts); c.1935C>G, p.Val645= (NM_001384736.1, NM_001384788.1, NM_001384790.1 and 9 more transcripts); c.1920C>G, p.Val640= (NM_001384738.1, NM_001384745.1, NM_001384748.1 and 4 more transcripts); c.1812C>G, p.Val604= (NM_001384744.1, NM_001384789.1, NM_001384791.1 and 2 more transcripts); c.1692C>G, p.Val564= (NM_001384746.1, NM_001384753.1, NM_001384757.1 and 2 more transcripts); c.1761C>G, p.Val587= (NM_001384755.1, NM_001384759.1, NM_001384760.1 and 14 more transcripts); c.1770C>G, p.Val590= (NM_001384758.1, NM_001384776.1, NM_001384825.1 and 4 more transcripts); c.660C>G, p.Val220= (NM_001384762.1, NM_001384784.1); and 16 more.
Identifiers: ClinVar variation 3040872 (VCV003040872.2), dbSNP rs138196912, ClinGen allele CA2371364.